The following is an entry in ClinVar:

ClinVar aggregate classification (germline): Uncertain significance. Review status: criteria provided, multiple submitters, no conflicts (2 of 4 stars). 2 submissions from 2 submitters: Uncertain significance (2). Last evaluated 2026-04-15.

Conditions:
Retinoblastoma (RB1). Also called: RETINOBLASTOMA, SOMATIC. Identifiers: Orphanet 790, MedGen C0035335, MeSH D012175, MONDO:0008380, OMIM 180200, HP:0009919. Disease mechanism: loss of function. Inheritance: Both sporadic and heritable forms are tested..
Hereditary cancer-predisposing syndrome. Also called: Tumor predisposition; Hereditary Cancer Syndrome; Hereditary neoplastic syndrome; Neoplastic Syndromes, Hereditary. Identifiers: Orphanet 140162, MedGen C0027672, MeSH D009386, MONDO:0015356.

Submissions (2):

Ambry Genetics
Classification: Uncertain significance for Hereditary cancer-predisposing syndrome. Last evaluated: 2026-04-15. Review status: criteria provided, single submitter. Criteria: Ambry Variant Classification Scheme 2023. Collection method: clinical testing. Allele origin: germline.
Comment: The p.E554G variant (also known as c.1661A>G), located in coding exon 17 of the RB1 gene, results from an A to G substitution at nucleotide position 1661. The glutamic acid at codon 554 is replaced by glycine, an amino acid with similar properties. This amino acid position is highly conserved in available vertebrate species. In addition, this alteration is predicted to be deleterious by in silico analysis. Based on the available evidence, the clinical significance of this variant remains unclear.

Labcorp Genetics (formerly Invitae), Labcorp
Classification: Uncertain significance for Retinoblastoma. Last evaluated: 2025-10-22. Review status: criteria provided, single submitter. Criteria: Invitae Variant Classification Sherloc (09022015). Collection method: clinical testing. Allele origin: germline.
Comment: This sequence change replaces glutamic acid, which is acidic and polar, with glycine, which is neutral and non-polar, at codon 554 of the RB1 protein (p.Glu554Gly). This variant is not present in population databases (gnomAD no frequency). This variant has not been reported in the literature in individuals affected with RB1-related conditions. ClinVar contains an entry for this variant (Variation ID: 2183736). Invitae Evidence Modeling of protein sequence and biophysical properties (such as structural, functional, and spatial information, amino acid conservation, physicochemical variation, residue mobility, and thermodynamic stability) indicates that this missense variant is expected to disrupt RB1 protein function with a positive predictive value of 80%. In summary, the available evidence is currently insufficient to determine the role of this variant in disease. Therefore, it has been classified as a Variant of Uncertain Significance.

NM_000321.3(RB1):c.1661A>G (p.Glu554Gly)

Gene: RB1 (RB transcriptional corepressor 1; plus strand). Cytogenetic location: 13q14.2.
Variant type: single nucleotide variant.
Coding change: c.1661A>G on transcript NM_000321.3 (MANE Select); coding-DNA position 1661, A replaced by G.
Protein change: p.Glu554Gly; replaces glutamic acid 554 with glycine.
Molecular consequence: missense variant.
Genome position (GRCh38, 1-based): chr13:48,381,409, A>G. VCF-style: chr13-48381409-A-G. GRCh37 (hg19) VCF-style: chr13-48955545-A-G.
Other names: c.1661A>G, p.Glu554Gly (NM_001407165.1, NM_001407166.1); short protein forms E554G.
Identifiers: ClinVar variation 2183736 (VCV002183736.7), dbSNP rs2138145661, ClinGen allele CA388163966.
Genomic context (GRCh38, chr13:48,381,409, plus strand): 5'-GTTTTATCAAAGCAGAAGGCAACTTGACAAGAGAAATGATAAAACATTTAGAACGATGTG[A>G]ACATCGAATCATGGAATCCCTTGCATGGCTCTCAGTAAGTAGCTAAATAATTGAAGAAAT-3'
Protein context (NP_000312.2, residues 544-564): REMIKHLERC[Glu554Gly]HRIMESLAWL